The following is an entry in ClinVar:

NM_001276270.2(MBD4):c.962C>G (p.Ser321Ter)

Gene: MBD4 (methyl-CpG binding domain 4, DNA glycosylase; minus strand). Cytogenetic location: 3q21.3.
Variant type: single nucleotide variant.
Coding change: c.962C>G on transcript NM_001276270.2 (MANE Select); coding-DNA position 962, C replaced by G.
Protein change: p.Ser321Ter; replaces serine 321 with a stop codon.
Molecular consequence: nonsense. On other transcripts: intron variant (1).
Genome position (GRCh38, 1-based): chr3:129,436,682, G>C on the plus strand (C>G on the coding strand, the complement: MBD4 is on the minus strand). VCF-style: chr3-129436682-G-C. GRCh37 (hg19) VCF-style: chr3-129155525-G-C.
Other names: c.962C>G, p.Ser321Ter (NM_001276271.2, NM_001276272.2, NM_003925.3); c.247+1126C>G (NM_001276273.2); short protein forms S321*.
Identifiers: ClinVar variation 2776590 (VCV002776590.6), dbSNP rs886358737, ClinGen allele CA82636178.

ClinVar aggregate classification (germline): Pathogenic/Likely pathogenic. Review status: criteria provided, multiple submitters, no conflicts (2 of 4 stars). 4 submissions from 4 submitters: Pathogenic (3); Likely pathogenic (1). Last evaluated 2026-01-16.

Conditions:
Inborn genetic diseases. Identifiers: MedGen C0950123, MeSH D030342.
Tumor predisposition syndrome 2 (TPDS2). Also called: MBD4-ASSOCIATED NEOPLASIA SYNDROME; MBD4-Related Tumor Predisposition Syndrome; MBD4-associated neoplasia syndrome (MANS). Identifiers: Orphanet 661526, MedGen C5774186, MONDO:0859267, OMIM 619975.

Allele frequency attached by ClinVar (database versions not stated): gnomAD 0.00001; TOPMed 0.00002.
gnomAD v4.1: 6 of 1,613,822 alleles (0.00037%); highest among the groups gnomAD compares: African/African-American, 0.0013%; no homozygotes.

Submissions (4):

Myriad Genetics, Inc.
Classification: Pathogenic for Tumor predisposition syndrome 2. Last evaluated: 2026-01-16. Review status: criteria provided, single submitter. Criteria: Myriad Autosomal Dominant, Autosomal Recessive and X-Linked Classification Criteria (2023). Collection method: clinical testing. Allele origin: unknown.
Comment: This variant is considered pathogenic. This variant creates a termination codon and is predicted to result in premature protein truncation.

Labcorp Genetics (formerly Invitae), Labcorp
Classification: Pathogenic. Last evaluated: 2025-12-24. Review status: criteria provided, single submitter. Criteria: Invitae Variant Classification Sherloc (09022015). Collection method: clinical testing. Allele origin: germline.
Comment: This sequence change creates a premature translational stop signal (p.Ser321*) in the MBD4 gene. It is expected to result in an absent or disrupted protein product. Loss-of-function variants in MBD4 are known to be pathogenic (PMID: 30049810, 35460607). This variant is present in population databases (no rsID available, gnomAD 0.0009%). This variant has not been reported in the literature in individuals affected with MBD4-related conditions. ClinVar contains an entry for this variant (Variation ID: 2776590). For these reasons, this variant has been classified as Pathogenic.

Ambry Genetics
Classification: Pathogenic for Inborn genetic diseases. Last evaluated: 2024-12-09. Review status: criteria provided, single submitter. Criteria: Ambry Variant Classification Scheme 2023. Collection method: clinical testing. Allele origin: germline.
Comment: The p.S321* pathogenic mutation (also known as c.962C>G), located in coding exon 3 of the MBD4 gene, results from a C to G substitution at nucleotide position 962. This changes the amino acid from a serine to a stop codon within coding exon 3. This variant is considered to be rare based on population cohorts in the Genome Aggregation Database (gnomAD). This alteration is expected to result in loss of function by premature protein truncation or nonsense-mediated mRNA decay. As such, this alteration is interpreted as a disease-causing mutation.

Institute for Genomic Medicine (IGM) Clinical Laboratory, Nationwide Children's Hospital
Classification: Likely pathogenic for Tumor predisposition syndrome 2. Last evaluated: 2024-06-11. Review status: criteria provided, single submitter. Criteria: ACMG Guidelines, 2015. Collection method: clinical testing. Allele origin: germline.
Comment: This variant is predicted to result in loss of function through nonsense-mediated decay of the encoded transcript or premature truncation of the encoded protein in a gene in which loss of function is a known mechanism of disease (ACMG/AMP: PVS1; PMIDs:32239153, 30714079, 35460607). This variant is absent from or present at an exceedingly low frequency in gnomAD, a large-scale control population database (ACMG/AMP: PM2).

Literature cited by the submitters: PubMed 30049810 (cited by Labcorp Genetics (formerly Invitae), Labcorp); PubMed 35460607 (cited by Labcorp Genetics (formerly Invitae), Labcorp and Institute for Genomic Medicine (IGM) Clinical Laboratory, Nationwide Children's Hospital); PubMed 32239153 (cited by Institute for Genomic Medicine (IGM) Clinical Laboratory, Nationwide Children's Hospital); PubMed 30714079 (cited by Institute for Genomic Medicine (IGM) Clinical Laboratory, Nationwide Children's Hospital).